The following is an entry in ClinVar:

ClinVar aggregate classification (germline): Uncertain significance (0 of 4 stars; one submission).

Conditions:
A2ML1-related disorder. Also called: A2ML1-related condition.

Submission:

PreventionGenetics, part of Exact Sciences
Classification: Uncertain significance for A2ML1-related condition. Last evaluated: 2024-01-04. Review status: no assertion criteria provided. Collection method: clinical testing. Allele origin: germline.
Comment: The A2ML1 c.3279_3281delTGA variant is predicted to result in an in-frame deletion (p.Asp1093del). To our knowledge, this variant has not been reported in the literature. This variant is reported in 0.00088% of alleles in individuals of European (Non-Finnish) descent in gnomAD. At this time, the clinical significance of this variant is uncertain due to the absence of conclusive functional and genetic evidence.

NM_144670.6(A2ML1):c.3273TGA[2] (p.Asp1093del)

Gene: A2ML1 (alpha-2-macroglobulin like 1; plus strand). Cytogenetic location: 12p13.31.
Variant type: Microsatellite.
Coding change: c.3273TGA[2] on transcript NM_144670.6 (MANE Select); two copies in a row of the 3-base unit TGA starting at c.3273; the reference has three copies in a row; one copy, 3 bases deleted.
Protein change: p.Asp1093del; deletes aspartic acid 1093.
Genome position (GRCh38, 1-based): chr12:8,860,895-8,860,897, TGA deleted; deleting any 3 consecutive bases within chr12:8,860,889-8,860,897 gives the same sequence; the position shown is the placement nearest the transcript's 3' end. VCF-style (leftmost placement, unchanged base first): chr12-8860888-TTGA-T. GRCh37 (hg19) VCF-style: chr12-9013484-TTGA-T.
Other names: c.1800TGA[2], p.Asp602del (NM_001282424.3); short protein forms D1093del, D602del.
Identifiers: ClinVar variation 3035268 (VCV003035268.2), dbSNP rs749438938, ClinGen allele CA6436324.